The following is an entry in ClinVar:

ClinVar aggregate classification (germline): Likely benign. Review status: reviewed by expert panel (3 of 4 stars). 2 submissions from 2 submitters: Likely benign (1). 1 of the submissions does not count toward it. Last evaluated 2024-11-04.

Conditions:
Hereditary thrombocytopenia and hematological cancer predisposition syndrome associated with RUNX1. Also called: Familial Platelet Disorder with Propensity to Acute Myelogenous Leukemia; Familial thrombocytopenia with propensity to acute myelogenous leukemia; PLATELET DISORDER, ASPIRIN-LIKE; RUNX1 Familial Platelet Disorder with Associated Myeloid Malignancies. Identifiers: Orphanet 71290, MedGen C1832388, MeSH C563324, MONDO:0100083, OMIM 601399.
Hereditary thrombocytopenia and hematologic cancer predisposition syndrome. Identifiers: Orphanet 71290, MedGen CN281654, MONDO:0011071.

gnomAD v4.1: 10 of 1,597,896 alleles (0.00063%); highest among the groups gnomAD compares: Admixed American, 0.017%; 1 homozygote.

Submissions (2):

ClinGen Myeloid Malignancy Variant Curation Expert Panel
Classification: Likely benign for Hereditary thrombocytopenia and hematologic cancer predisposition syndrome. Last evaluated: 2024-11-04. Review status: reviewed by expert panel. Criteria: ClinGen MyeloMalig ACMG Specifications v2. Collection method: curation. Allele origin: germline. Inheritance: Autosomal dominant inheritance.
Comment: The NM_001754.5(RUNX1):c.509-12G>T is an intronic variant. This variant has a SpliceAI score ≤ 0.20 (0.01) and evolutionary conservation algorithms predict the site as not being conserved (PhyloP score ≤ 2.0 (0.76) (BP7). Multiple lines of computational evidence suggest no impact on gene /gene product (SpliceAI score ≤ 0.20 (0.01) (BP4). In summary, this variant meets criteria to be classified as likely benign. ACMG/AMP criteria applied, as specified by the Myeloid Malignancy Variant Curation Expert Panel for RUNX1: BP4, BP7.

Labcorp Genetics (formerly Invitae), Labcorp
Classification: Likely benign for Hereditary thrombocytopenia and hematological cancer predisposition syndrome associated with RUNX1. Last evaluated: 2025-12-23. Review status: criteria provided, single submitter. Criteria: Invitae Variant Classification Sherloc (09022015). Collection method: clinical testing. Allele origin: germline. Not counted in ClinVar's aggregate classification.

NM_001754.5(RUNX1):c.509-12G>T

Genes: RUNX1 (RUNX family transcription factor 1; minus strand), RUNX1-AS1 (RUNX1 antisense RNA 1; plus strand). Cytogenetic location: 21q22.12.
Variant type: single nucleotide variant.
Coding change: c.509-12G>T on transcript NM_001754.5 (MANE Select); 12 bases into the intron before coding-DNA position 509, G replaced by T.
Molecular consequence: intron variant.
Genome position (GRCh38, 1-based): chr21:34,859,590, C>A on the plus strand (G>T on the coding strand, the complement: RUNX1 is on the minus strand). VCF-style: chr21-34859590-C-A. GRCh37 (hg19) VCF-style: chr21-36231887-C-A.
Other names: c.428-12G>T (NM_001001890.3, NM_001122607.2).
Identifiers: ClinVar variation 1618670 (VCV001618670.9), dbSNP rs200727741, ClinGen allele CA10014481.
Genomic context (GRCh38, chr21:34,859,590, plus strand): 5'-ACTTGCGGTGGGTTTGTGAAGACAGTGATGGTCAGAGTGAAGCTTTTCCCTGTGGGGACA[C>A]GATAGAGAACAAAACAGAATGAGGTTGGTGGCCTGAACATATCTGTTGAATAACCAATCA-3'